The following is an entry in ClinVar:

NM_015141.4(GPD1L):c.261T>A (p.Asp87Glu)

Gene: GPD1L (glycerol-3-phosphate dehydrogenase 1 like; plus strand). Cytogenetic location: 3p22.3.
Variant type: single nucleotide variant.
Coding change: c.261T>A on transcript NM_015141.4 (MANE Select); coding-DNA position 261, T replaced by A.
Protein change: p.Asp87Glu; replaces aspartic acid 87 with glutamic acid.
Molecular consequence: missense variant.
Genome position (GRCh38, 1-based): chr3:32,138,622, T>A. VCF-style: chr3-32138622-T-A. GRCh37 (hg19) VCF-style: chr3-32180114-T-A.
Other names: short protein forms D87E.
Identifiers: ClinVar variation 837097 (VCV000837097.7), dbSNP rs368838349, ClinGen allele CA2296595.

ClinVar aggregate classification (germline): Uncertain significance. Review status: criteria provided, multiple submitters, no conflicts (2 of 4 stars). 2 submissions from 2 submitters: Uncertain significance (2). Last evaluated 2026-01-21.

Conditions:
Brugada syndrome. Also called: Sudden Unexplained Death Syndrome; Sudden Unexplained Nocturnal Death Syndrome (SUNDS); Sudden unexpected nocturnal death syndrome; Sudden unexplained nocturnal death syndrome. Identifiers: Orphanet 130, MedGen C1142166, MONDO:0015263.
Cardiovascular phenotype. Identifiers: MedGen CN230736.

Allele frequency attached by ClinVar (database versions not stated): gnomAD exomes 0.00001 and 0.00002; ExAC 0.00002; TOPMed 0.00003; gnomAD 0.00005 and 0.00006; ESP Exome Variant Server 0.00008.
gnomAD v4.1: 38 of 1,613,866 alleles (0.0024%); highest among the groups gnomAD compares: Non-Finnish European, 0.0031%; no homozygotes.

Submissions (2):

Labcorp Genetics (formerly Invitae), Labcorp
Classification: Uncertain significance for Brugada syndrome. Last evaluated: 2026-01-21. Review status: criteria provided, single submitter. Criteria: Invitae Variant Classification Sherloc (09022015). Collection method: clinical testing. Allele origin: germline.
Comment: This sequence change replaces aspartic acid, which is acidic and polar, with glutamic acid, which is acidic and polar, at codon 87 of the GPD1L protein (p.Asp87Glu). This variant is present in population databases (rs368838349, gnomAD 0.003%). This variant has not been reported in the literature in individuals affected with GPD1L-related conditions. ClinVar contains an entry for this variant (Variation ID: 837097). Invitae Evidence Modeling of protein sequence and biophysical properties (such as structural, functional, and spatial information, amino acid conservation, physicochemical variation, residue mobility, and thermodynamic stability) indicates that this missense variant is not expected to disrupt GPD1L protein function with a negative predictive value of 80%. In summary, the available evidence is currently insufficient to determine the role of this variant in disease. Therefore, it has been classified as a Variant of Uncertain Significance.

Ambry Genetics
Classification: Uncertain significance for Cardiovascular phenotype. Last evaluated: 2025-09-05. Review status: criteria provided, single submitter. Criteria: Ambry Variant Classification Scheme 2023. Collection method: clinical testing. Allele origin: germline.